The following is an entry in ClinVar:

NM_001031725.6(DDX59):c.1803A>C (p.Thr601=)

Gene: DDX59 (DEAD-box helicase 59; minus strand). Cytogenetic location: 1q32.1.
Variant type: single nucleotide variant.
Coding change: c.1803A>C on transcript NM_001031725.6 (MANE Select); coding-DNA position 1803, A replaced by C.
Protein change: p.Thr601=; no amino-acid change (threonine 601 retained).
Molecular consequence: synonymous variant. On other transcripts: intron variant (2).
Genome position (GRCh38, 1-based): chr1:200,644,311, T>G on the plus strand (A>C on the coding strand, the complement: DDX59 is on the minus strand). VCF-style: chr1-200644311-T-G. GRCh37 (hg19) VCF-style: chr1-200613439-T-G.
Other names: c.1461A>C, p.Thr487= (NM_001320182.1); c.1803A>C, p.Thr601= (NM_001349799.3, NM_001349800.3); c.1674A>C, p.Thr558= (NM_001349801.3); c.1551A>C, p.Thr517= (NM_001349803.3); c.1269A>C, p.Thr423= (NM_001349804.2); c.1597-3126A>C (NM_001349802.3); c.1597-3055A>C (NM_001320181.2).
Identifiers: ClinVar variation 3026097 (VCV003026097.23), dbSNP rs750231186, ClinGen allele CA1318195.

ClinVar aggregate classification (germline): Likely benign. Review status: criteria provided, multiple submitters, no conflicts (2 of 4 stars). 2 submissions from 2 submitters: Likely benign (2). Last evaluated 2025-10-22.

Allele frequency attached by ClinVar (database versions not stated): ExAC 0.00002; gnomAD exomes 0.00002; TOPMed 0.00003; gnomAD 0.00005.
gnomAD v4.1: 38 of 1,613,254 alleles (0.0024%); highest among the groups gnomAD compares: Non-Finnish European, 0.0031%; no homozygotes.

Submissions (2):

Labcorp Genetics (formerly Invitae), Labcorp
Classification: Likely benign. Last evaluated: 2025-10-22. Review status: criteria provided, single submitter. Criteria: Invitae Variant Classification Sherloc (09022015). Collection method: clinical testing. Allele origin: germline.

CeGaT Center for Human Genetics Tuebingen
Classification: Likely benign. Last evaluated: 2024-02-01. Review status: criteria provided, single submitter. Criteria: CeGaT Center For Human Genetics Tuebingen Variant Classification Criteria Version 2. Collection method: clinical testing. Allele origin: germline. Affected: yes. Observed: 1 variant allele.
Comment: DDX59: BP4, BP7